The following is an entry in ClinVar:

ClinVar aggregate classification (germline): Uncertain significance (1 of 4 stars; one submission).

Conditions:
Gastrointestinal stromal tumor. Also called: Gastrointestinal stromal tumor, somatic; Gastrointestinal stroma tumor. Identifiers: Orphanet 44890, MedGen C0238198, MeSH D046152, MONDO:0011719, OMIM 606764, HP:0100723.

Submission:

Dasa
Classification: Uncertain significance for gastrointestinal stromal tumor. Last evaluated: 2025-11-05. Review status: criteria provided, single submitter. Criteria: DASA Assertion Criteria. Collection method: clinical testing. Allele origin: germline.
Comment: NM_006206.6(PDGFRA):c.178C>A (p.Pro60Thr) is a missense variant that results in the substitution of proline with threonine. This variant is absent from population databases. The currently available literature and clinical evidence are not sufficient to establish a definitive association between this variant and the reported condition. Therefore, this variant is classified as a variant of uncertain significance.

NM_006206.6(PDGFRA):c.178C>A (p.Pro60Thr)

Gene: PDGFRA (platelet derived growth factor receptor alpha; plus strand). Cytogenetic location: 4q12.
Variant type: single nucleotide variant.
Coding change: c.178C>A on transcript NM_006206.6 (MANE Select); coding-DNA position 178, C replaced by A.
Protein change: p.Pro60Thr; replaces proline 60 with threonine.
Molecular consequence: missense variant.
Genome position (GRCh38, 1-based): chr4:54,261,223, C>A. VCF-style: chr4-54261223-C-A. GRCh37 (hg19) VCF-style: chr4-55127390-C-A.
Other names: c.178C>A, p.Pro60Thr (NM_001347827.2, NM_001347829.2); c.253C>A, p.Pro85Thr (NM_001347828.2); c.217C>A, p.Pro73Thr (NM_001347830.2); short protein forms P60T, P73T, P85T.
Identifiers: ClinVar variation 4880989 (VCV004880989.2).